The following is an entry in ClinVar:

ClinVar aggregate classification (germline): Uncertain significance (1 of 4 stars; one submission).

Conditions:
Hereditary cancer-predisposing syndrome. Also called: Neoplastic Syndromes, Hereditary; Hereditary neoplastic syndrome; Tumor predisposition; Hereditary Cancer Syndrome. Identifiers: Orphanet 140162, MedGen C0027672, MeSH D009386, MONDO:0015356.

Submission:

Color Diagnostics, LLC DBA Color Health
Classification: Uncertain significance for Hereditary cancer-predisposing syndrome. Last evaluated: 2025-07-28. Review status: criteria provided, single submitter. Criteria: ACMG Guidelines, 2015. Collection method: clinical testing. Allele origin: germline.
Comment: This missense variant replaces lysine with glutamic acid at codon 2189 of the APC protein. Computational prediction is inconclusive regarding the impact of this variant on protein structure and function. To our knowledge, functional studies have not been reported for this variant. This variant has not been reported in individuals affected with APC-related disorders in the literature. This variant has not been identified in the general population by the Genome Aggregation Database (gnomAD). The available evidence is insufficient to determine the role of this variant in disease conclusively. Therefore, this variant is classified as a Variant of Uncertain Significance.

NM_000038.6(APC):c.6565A>G (p.Lys2189Glu)

Gene: APC (APC regulator of Wnt signaling pathway; plus strand). Cytogenetic location: 5q22.2.
Variant type: single nucleotide variant.
Coding change: c.6565A>G on transcript NM_000038.6 (MANE Select); coding-DNA position 6565, A replaced by G.
Protein change: p.Lys2189Glu; replaces lysine 2189 with glutamic acid.
Molecular consequence: missense variant. On other transcripts: non-coding transcript variant (2).
Genome position (GRCh38, 1-based): chr5:112,842,159, A>G. VCF-style: chr5-112842159-A-G. GRCh37 (hg19) VCF-style: chr5-112177856-A-G.
Other names: c.6565A>G, p.Lys2189Glu (NM_001127510.3, NM_001354895.2, NM_001407450.1); c.6511A>G, p.Lys2171Glu (NM_001127511.3); c.6619A>G, p.Lys2207Glu (NM_001354896.2, NM_001407447.1, NM_001407448.1 and 1 more transcripts); c.6595A>G, p.Lys2199Glu (NM_001354897.2); c.6490A>G, p.Lys2164Glu (NM_001354898.2); c.6481A>G, p.Lys2161Glu (NM_001354899.2); c.6442A>G, p.Lys2148Glu (NM_001354900.2); c.6388A>G, p.Lys2130Glu (NM_001354901.2, NM_001407453.1); and 11 more; short protein forms K1805E, K1906E, K2029E, K2060E, K2063E, K2088E, K2098E, K2106E.
Identifiers: ClinVar variation 4759017 (VCV004759017.1).